The following is an entry in ClinVar:

ClinVar aggregate classification (germline): Uncertain significance (1 of 4 stars; one submission).

Submission:

Women's Health and Genetics/Laboratory Corporation of America, LabCorp
Classification: Uncertain significance. Last evaluated: 2026-03-09. Review status: criteria provided, single submitter. Criteria: LabCorp Variant Classification Summary - May 2015. Collection method: clinical testing. Allele origin: germline.
Comment: Variant summary: PKD1 c.2822_2853+5dup37 alters a conserved nucleotide sequence located close to a canonical splice site and therefore could affect mRNA splicing, leading to a significantly altered protein sequence. Consensus agreement among computation tools predict no significant impact on normal splicing. However, these predictions have yet to be confirmed by functional studies. The variant was absent in 234844 control chromosomes. The available data on variant occurrences in the general population are insufficient to allow any conclusion about variant significance. To our knowledge, no occurrence of c.2822_2853+5dup37 in individuals affected with PKD1-related conditions and no experimental evidence demonstrating its impact on protein function have been reported. No submitters have cited clinical-significance assessments for this variant to ClinVar. Based on the evidence outlined above, the variant was classified as uncertain significance.

NM_001009944.3(PKD1):c.2822_2853+5dup

Gene: PKD1 (polycystin 1, transient receptor potential channel interacting; minus strand). Cytogenetic location: 16p13.3.
Variant type: Duplication.
Coding change: c.2822_2853+5dup on transcript NM_001009944.3 (MANE Select); coding-DNA position 2822 through 5 bases into the intron after coding-DNA position 2853, 37 bases duplicated.
Molecular consequence: splice donor variant.
Genome position (GRCh38, 1-based): chr16:2,114,165-2,114,201, 37 bases duplicated. GRCh37 (hg19): chr16:2,164,166-2,164,202.
Other names: c.2822_2853+5dup37 (NM_001009944.3); c.2822_2853+5dup (NM_000296.4).
Identifiers: ClinVar variation 4847383 (VCV004847383.1).